The following is an entry in ClinVar:

NC_000012.11:g.(?_124191253)_(124207015_?)dup

Genes: TCTN2 (tectonic family member 2; plus strand), ATP6V0A2 (ATPase H+ transporting V0 subunit a2; plus strand). Cytogenetic location: 12q24.31.
Variant type: Duplication.
Identifiers: ClinVar variation 1375551 (VCV001375551.4).

ClinVar aggregate classification (germline): Uncertain significance (1 of 4 stars; one submission).

Conditions:
ALG9 congenital disorder of glycosylation (CDG1L). Also called: CDG Il; ALG9-CDG; CONGENITAL DISORDER OF GLYCOSYLATION, TYPE Il. Identifiers: Orphanet 79328, MedGen C2931006, MONDO:0012117, OMIM 608776.

Submission:

Labcorp Genetics (formerly Invitae), Labcorp
Classification: Uncertain significance for ALG9 congenital disorder of glycosylation. Last evaluated: 2021-03-03. Review status: criteria provided, single submitter. Criteria: Invitae Variant Classification Sherloc (09022015). Collection method: clinical testing. Allele origin: germline.
Comment: In summary, the available evidence is currently insufficient to determine the role of this variant in disease. Therefore, it has been classified as a Variant of Uncertain Significance. Experimental studies and prediction algorithms are not available or were not evaluated, and the functional significance of this variant is currently unknown. This variant has not been reported in the literature in individuals with ATP6V0A2-related conditions. This variant results in a copy number gain of the genomic region encompassing exon(s) 1-3 of the ATP6V0A2 gene. This region includes the initiator codon of the gene. The 5' end of this event is unknown as it extends beyond the assayed region for this gene and therefore may encompass additional genes. The 3' boundary is likely confined to intron 3 of the ATP6V0A2 gene. As the precise location of this event is unknown, it may be in tandem or it may be located elsewhere in the genome.